The following is an entry in ClinVar:

ClinVar aggregate classification (germline): Uncertain significance (1 of 4 stars; one submission).

Conditions:
Aortic aneurysm, familial thoracic 7 (AAT7). Also called: AORTIC DISSECTION, FAMILIAL, WITH OR WITHOUT AORTIC ANEURYSM. Identifiers: MedGen C3151077, MONDO:0013418, OMIM 613780.

Allele frequency attached by ClinVar (database versions not stated): TOPMed below 0.00001; ExAC 0.00001; gnomAD exomes 0.00001.
gnomAD v4.1: 8 of 1,614,136 alleles (0.0005%); highest among the groups gnomAD compares: Admixed American, 0.0017%; no homozygotes.

Submission:

Labcorp Genetics (formerly Invitae), Labcorp
Classification: Uncertain significance for Aortic aneurysm, familial thoracic 7. Last evaluated: 2025-02-18. Review status: criteria provided, single submitter. Criteria: Invitae Variant Classification Sherloc (09022015). Collection method: clinical testing. Allele origin: germline.
Comment: This sequence change affects codon 705 of the MYLK mRNA. It is a 'silent' change, meaning that it does not change the encoded amino acid sequence of the MYLK protein. This variant is present in population databases (rs774165971, gnomAD 0.004%). This variant has not been reported in the literature in individuals affected with MYLK-related conditions. ClinVar contains an entry for this variant (Variation ID: 2068593). Algorithms developed to predict the effect of sequence changes on RNA splicing suggest that this variant may create or strengthen a splice site. In summary, the available evidence is currently insufficient to determine the role of this variant in disease. Therefore, it has been classified as a Variant of Uncertain Significance.

NM_053025.4(MYLK):c.2115C>T (p.Arg705=)

Gene: MYLK (myosin light chain kinase; minus strand). Cytogenetic location: 3q21.1.
Variant type: single nucleotide variant.
Coding change: c.2115C>T on transcript NM_053025.4 (MANE Select); coding-DNA position 2115, C replaced by T.
Protein change: p.Arg705=; no amino-acid change (arginine 705 retained).
Molecular consequence: synonymous variant.
Genome position (GRCh38, 1-based): chr3:123,708,723, G>A on the plus strand (C>T on the coding strand, the complement: MYLK is on the minus strand). VCF-style: chr3-123708723-G-A. GRCh37 (hg19) VCF-style: chr3-123427570-G-A.
Other names: c.1587C>T, p.Arg529= (NM_001321309.2); c.1908C>T, p.Arg636= (NM_053026.4, NM_053028.4); c.2115C>T, p.Arg705= (NM_053027.4).
Identifiers: ClinVar variation 2068593 (VCV002068593.2), dbSNP rs774165971, ClinGen allele CA068090.